The following is an entry in ClinVar:

ClinVar aggregate classification (germline): Uncertain significance (1 of 4 stars; one submission).

gnomAD v4.1: 4 of 1,613,520 alleles (0.00025%); highest among the groups gnomAD compares: Non-Finnish European, 0.00034%; no homozygotes.

Submission:

GeneDx
Classification: Uncertain significance. Last evaluated: 2024-05-29. Review status: criteria provided, single submitter. Criteria: GeneDx Variant Classification Process June 2021. Collection method: clinical testing. Allele origin: germline. Affected: yes.
Comment: Not observed at significant frequency in large population cohorts (gnomAD); In silico analysis supports that this missense variant has a deleterious effect on protein structure/function; Has not been previously published as pathogenic or benign to our knowledge

NM_004560.4(ROR2):c.2152C>T (p.Pro718Ser)

Gene: ROR2 (receptor tyrosine kinase like orphan receptor 2; minus strand). Cytogenetic location: 9q22.31.
Variant type: single nucleotide variant.
Coding change: c.2152C>T on transcript NM_004560.4 (MANE Select); coding-DNA position 2152, C replaced by T.
Protein change: p.Pro718Ser; replaces proline 718 with serine.
Molecular consequence: missense variant.
Genome position (GRCh38, 1-based): chr9:91,724,342, G>A on the plus strand (C>T on the coding strand, the complement: ROR2 is on the minus strand). VCF-style: chr9-91724342-G-A. GRCh37 (hg19) VCF-style: chr9-94486624-G-A.
Other names: short protein forms P718S.
Identifiers: ClinVar variation 3383520 (VCV003383520.1).
Genomic context (GRCh38, chr9:91,724,342, plus strand): 5'-GGGGCCGCCGGCTGGGGAACTCGTTCCAGCACTCGATCATGAGGGCATACACCCAGGCGG[G>A]ACAGTCATCGGGGCAAGGCAGCACCTGCCGGTTCCGGATCATCTCCACCACATCCTGGTT-3'
Protein context (NP_004551.2, residues 708-728): RQVLPCPDDC[Pro718Ser]AWVYALMIEC